The following is an entry in ClinVar:

ClinVar aggregate classification (germline): Uncertain significance (1 of 4 stars; one submission).

Conditions:
Idiopathic generalized epilepsy. Also called: EIG; Generalised epilepsy. Identifiers: MedGen C0270850, MONDO:0005579, OMIM 600669.

Allele frequency attached by ClinVar (database versions not stated): ExAC 0.00001; gnomAD 0.00001; gnomAD exomes 0.00001; TOPMed 0.00001; ESP Exome Variant Server 0.00008.
gnomAD v4.1: 64 of 1,573,802 alleles (0.0041%); highest among the groups gnomAD compares: South Asian, 0.0093%; no homozygotes.

Submission:

Labcorp Genetics (formerly Invitae), Labcorp
Classification: Uncertain significance for Idiopathic generalized epilepsy. Last evaluated: 2025-10-13. Review status: criteria provided, single submitter. Criteria: Invitae Variant Classification Sherloc (09022015). Collection method: clinical testing. Allele origin: germline.
Comment: This sequence change replaces arginine, which is basic and polar, with cysteine, which is neutral and slightly polar, at codon 416 of the GABRD protein (p.Arg416Cys). The frequency data for this variant in the population databases is considered unreliable, as metrics indicate poor data quality at this position in the gnomAD database. This variant has not been reported in the literature in individuals affected with GABRD-related conditions. ClinVar contains an entry for this variant (Variation ID: 658461). An algorithm developed to predict the effect of missense changes on protein structure and function (PolyPhen-2) suggests that this variant is likely to be tolerated. In summary, the available evidence is currently insufficient to determine the role of this variant in disease. Therefore, it has been classified as a Variant of Uncertain Significance.

NM_000815.5(GABRD):c.1246C>T (p.Arg416Cys)

Gene: GABRD (gamma-aminobutyric acid type A receptor subunit delta; plus strand). Cytogenetic location: 1p36.33.
Variant type: single nucleotide variant.
Coding change: c.1246C>T on transcript NM_000815.5 (MANE Select); coding-DNA position 1246, C replaced by T.
Protein change: p.Arg416Cys; replaces arginine 416 with cysteine.
Molecular consequence: missense variant.
Genome position (GRCh38, 1-based): chr1:2,030,169, C>T. VCF-style: chr1-2030169-C-T. GRCh37 (hg19) VCF-style: chr1-1961608-C-T.
Other names: short protein forms R416C.
Identifiers: ClinVar variation 658461 (VCV000658461.8), dbSNP rs370735082, ClinGen allele CA534957.